The following is an entry in ClinVar:

NM_005334.3(HCFC1):c.4475C>T (p.Pro1492Leu)

Genes: HCFC1 (host cell factor C1; minus strand), LOC130068842 (ATAC-STARR-seq lymphoblastoid active region 30044; plus strand). Cytogenetic location: Xq28.
Variant type: single nucleotide variant.
Coding change: c.4475C>T on transcript NM_005334.3 (MANE Select); coding-DNA position 4475, C replaced by T.
Protein change: p.Pro1492Leu; replaces proline 1492 with leucine.
Molecular consequence: missense variant.
Genome position (GRCh38, 1-based): chrX:153,953,629, G>A on the plus strand (C>T on the coding strand, the complement: HCFC1 is on the minus strand). VCF-style: chrX-153953629-G-A. GRCh37 (hg19) VCF-style: chrX-153219080-G-A.
Other names: c.4475C>T, p.Pro1492Leu (NM_001410705.1); short protein forms P1492L.
Identifiers: ClinVar variation 2432377 (VCV002432377.4), dbSNP rs782407440, ClinGen allele CA415114585.

ClinVar aggregate classification (germline): Uncertain significance. Review status: criteria provided, multiple submitters, no conflicts (2 of 4 stars). 2 submissions from 2 submitters: Uncertain significance (2). Last evaluated 2024-08-19.

Conditions:
Methylmalonic acidemia with homocystinuria, type cblX (MAHCX). Also called: INTELLECTUAL DEVELOPMENTAL DISORDER, X-LINKED 3. Identifiers: Orphanet 369962, MedGen C0796208, MONDO:0010657, OMIM 309541.
HCFC1-related disorder. Also called: HCFC1-related condition.

gnomAD v4.1: 3 of 1,208,907 alleles (0.00025%); highest among the groups gnomAD compares: South Asian, 0.0018%; no homozygotes.

Submissions (2):

Revvity Omics, Revvity
Classification: Uncertain significance for Methylmalonic acidemia with homocystinuria, type cblX. Last evaluated: 2024-08-19. Review status: criteria provided, single submitter. Criteria: ACMG Guidelines, 2015. Collection method: clinical testing. Allele origin: germline.

PreventionGenetics, part of Exact Sciences
Classification: Uncertain significance for HCFC1-related condition. Last evaluated: 2023-01-13. Review status: criteria provided, single submitter. Criteria: ACMG Guidelines, 2015. Collection method: clinical testing. Allele origin: germline.
Comment: The HCFC1 c.4475C>T variant is predicted to result in the amino acid substitution p.Pro1492Leu. This variant has not been reported in a large population database, indicating this variant is rare. At this time, the clinical significance of this variant is uncertain due to the absence of conclusive functional and genetic evidence.